The following is an entry in ClinVar:

ClinVar aggregate classification (germline): Uncertain significance. Review status: criteria provided, multiple submitters, no conflicts (2 of 4 stars). 2 submissions from 2 submitters: Uncertain significance (2). Last evaluated 2023-09-06.

Conditions:
Hereditary cancer-predisposing syndrome. Also called: Tumor predisposition; Neoplastic Syndromes, Hereditary; Hereditary neoplastic syndrome; Hereditary Cancer Syndrome. Identifiers: Orphanet 140162, MedGen C0027672, MeSH D009386, MONDO:0015356.
Gorlin syndrome. Also called: Nevoid Basal Cell Carcinoma Syndrome; Basal cell nevus syndrome. Identifiers: Orphanet 377, MedGen C0004779, MONDO:0007187.

Submissions (2):

Ambry Genetics
Classification: Uncertain significance for Hereditary cancer-predisposing syndrome. Last evaluated: 2023-09-06. Review status: criteria provided, single submitter. Criteria: Ambry Variant Classification Scheme 2023. Collection method: clinical testing. Allele origin: germline.
Comment: The p.H1417R variant (also known as c.4250A>G), located in coding exon 23 of the PTCH1 gene, results from an A to G substitution at nucleotide position 4250. The histidine at codon 1417 is replaced by arginine, an amino acid with highly similar properties. This amino acid position is conserved. In addition, this alteration is predicted to be tolerated by in silico analysis. Since supporting evidence is limited at this time, the clinical significance of this alteration remains unclear.

Labcorp Genetics (formerly Invitae), Labcorp
Classification: Uncertain significance for Gorlin syndrome. Last evaluated: 2021-08-24. Review status: criteria provided, single submitter. Criteria: Invitae Variant Classification Sherloc (09022015). Collection method: clinical testing. Allele origin: germline.
Comment: This sequence change replaces histidine with arginine at codon 1417 of the PTCH1 protein (p.His1417Arg). The histidine residue is weakly conserved and there is a small physicochemical difference between histidine and arginine. This variant is not present in population databases (ExAC no frequency). This variant has not been reported in the literature in individuals affected with PTCH1-related conditions. Advanced modeling of protein sequence and biophysical properties (such as structural, functional, and spatial information, amino acid conservation, physicochemical variation, residue mobility, and thermodynamic stability) performed at Invitae indicates that this missense variant is not expected to disrupt PTCH1 protein function. In summary, the available evidence is currently insufficient to determine the role of this variant in disease. Therefore, it has been classified as a Variant of Uncertain Significance.

NM_000264.5(PTCH1):c.4250A>G (p.His1417Arg)

Gene: PTCH1 (patched 1; minus strand). Cytogenetic location: 9q22.32.
Variant type: single nucleotide variant.
Coding change: c.4250A>G on transcript NM_000264.5 (MANE Select); coding-DNA position 4250, A replaced by G.
Protein change: p.His1417Arg; replaces histidine 1417 with arginine.
Molecular consequence: missense variant. On other transcripts: non-coding transcript variant (1).
Genome position (GRCh38, 1-based): chr9:95,447,006, T>C on the plus strand (A>G on the coding strand, the complement: PTCH1 is on the minus strand). VCF-style: chr9-95447006-T-C. GRCh37 (hg19) VCF-style: chr9-98209288-T-C.
Other names: c.4052A>G, p.His1351Arg (NM_001083602.3); c.4247A>G, p.His1416Arg (NM_001083603.3); c.3797A>G, p.His1266Arg (NM_001083604.3, NM_001083605.3, NM_001083606.3 and 1 more transcripts); c.4094A>G, p.His1365Arg (NM_001354918.2); short protein forms H1351R, H1417R, H1266R, H1365R, H1416R.
Identifiers: ClinVar variation 1906060 (VCV001906060.4), dbSNP rs2136572157, ClinGen allele CA374110027.